The following is an entry in ClinVar:

ClinVar aggregate classification (germline): Pathogenic (1 of 4 stars; one submission).

Conditions:
Primary ciliary dyskinesia 3. Identifiers: Orphanet 244, MedGen C1837618, MONDO:0012085, OMIM 608644.

Submission:

Myriad Genetics, Inc.
Classification: Pathogenic for Primary ciliary dyskinesia 3. Last evaluated: 2023-09-07. Review status: criteria provided, single submitter. Criteria: Myriad Autosomal Dominant, Autosomal Recessive and X-Linked Classification Criteria (2023). Collection method: clinical testing. Allele origin: unknown.
Comment: NM_001369.2(DNAH5):c.2588delTinsAA(V863Efs*10) is expected to be pathogenic in the context of primary ciliary dyskinesia, DNAH5-related. This variant is predicted to lead to an abnormal or absent protein product due to the creation of a premature termination codon in DNAH5, a gene where loss-of-function variants are known to be pathogenic. Please note: this variant was assessed in the context of healthy population screening.

NM_001369.3(DNAH5):c.2588delinsAA (p.Val863fs)

Genes: DNAH5 (dynein axonemal heavy chain 5; minus strand), DNAH5-AS1 (DNAH5 antisense RNA 1; plus strand). Cytogenetic location: 5p15.2.
Variant type: Indel.
Coding change: c.2588delinsAA on transcript NM_001369.3 (MANE Select); coding-DNA position 2588, T replaced by AA.
Protein change: p.Val863fs; shifts the reading frame from valine 863.
Molecular consequence: frameshift variant.
Genome position (GRCh38, 1-based): chr5:13,886,119, A replaced by TT on the plus strand (T replaced by AA on the coding strand, the reverse complement: DNAH5 is on the minus strand). VCF-style: chr5-13886119-A-TT. GRCh37 (hg19) VCF-style: chr5-13886228-A-TT.
Other names: short protein forms V863fs.
Identifiers: ClinVar variation 5011595 (VCV005011595.1).